The following is an entry in ClinVar:

NM_001429.4(EP300):c.6641C>T (p.Pro2214Leu)

Gene: EP300 (EP300 lysine acetyltransferase; plus strand). Cytogenetic location: 22q13.2.
Variant type: single nucleotide variant.
Coding change: c.6641C>T on transcript NM_001429.4 (MANE Select); coding-DNA position 6641, C replaced by T.
Protein change: p.Pro2214Leu; replaces proline 2214 with leucine.
Molecular consequence: missense variant.
Genome position (GRCh38, 1-based): chr22:41,178,352, C>T. VCF-style: chr22-41178352-C-T. GRCh37 (hg19) VCF-style: chr22-41574356-C-T.
Other names: c.6641C>T (NM_001429.3); c.6563C>T, p.Pro2188Leu (NM_001362843.2); short protein forms P2188L, P2214L.
Identifiers: ClinVar variation 2148961 (VCV002148961.5), dbSNP rs140819454, ClinGen allele CA10253907.
Genomic context (GRCh38, chr22:41,178,352, plus strand): 5'-AACAGGGAGCAGGGCCAGGAATAGGCCCTGGAATGGCCAACCATAACCAGTTCCAGCAAC[C>T]CCAAGGAGTTGGCTACCCACCACAGCAGCAGCAGCGGATGCAGCATCACATGCAACAGAT-3'
Protein context (NP_001420.2, residues 2204-2224): GMANHNQFQQ[Pro2214Leu]QGVGYPPQQQ

ClinVar aggregate classification (germline): Benign. Review status: criteria provided, single submitter (1 of 4 stars). 2 submissions from 2 submitters: Benign (1). 1 of the submissions does not count toward it. Last evaluated 2025-09-07.

Conditions:
Rubinstein-Taybi syndrome due to EP300 haploinsufficiency. Also called: EP300-Related Rubinstein-Taybi Syndrome; RUBINSTEIN-TAYBI SYNDROME 2. Identifiers: Orphanet 353284, Orphanet 783, MedGen C3150941, MONDO:0013364, OMIM 613684.
EP300-related disorder. Also called: EP300-related condition; EP300-related disorders.

Allele frequency attached by ClinVar (database versions not stated): gnomAD 0.00007; TOPMed 0.00011; ESP Exome Variant Server 0.00015; 1000 Genomes Project 30x 0.00016; 1000 Genomes Project 0.00020.
gnomAD v4.1: 15 of 1,614,118 alleles (0.00093%); highest among the groups gnomAD compares: African/African-American, 0.02%; no homozygotes.

Submissions (2):

Labcorp Genetics (formerly Invitae), Labcorp
Classification: Benign for Rubinstein-Taybi syndrome due to EP300 haploinsufficiency. Last evaluated: 2025-09-07. Review status: criteria provided, single submitter. Criteria: Invitae Variant Classification Sherloc (09022015). Collection method: clinical testing. Allele origin: germline.

PreventionGenetics, part of Exact Sciences
Classification: Uncertain significance for EP300-related condition. Last evaluated: 2024-04-18. Review status: no assertion criteria provided. Collection method: clinical testing. Allele origin: germline. Not counted in ClinVar's aggregate classification.
Comment: The EP300 c.6641C>T variant is predicted to result in the amino acid substitution p.Pro2214Leu. To our knowledge, this variant has not been reported in the literature. This variant is reported in 0.024% of alleles in individuals of African descent in gnomAD. At this time, the clinical significance of this variant is uncertain due to the absence of conclusive functional and genetic evidence.